The following is an entry in ClinVar:

NM_022114.4(PRDM16):c.141C>T (p.Pro47=)

Gene: PRDM16 (PR/SET domain 16; plus strand). Cytogenetic location: 1p36.32.
Variant type: single nucleotide variant.
Coding change: c.141C>T on transcript NM_022114.4 (MANE Select); coding-DNA position 141, C replaced by T.
Protein change: p.Pro47=; no amino-acid change (proline 47 retained).
Molecular consequence: synonymous variant.
Genome position (GRCh38, 1-based): chr1:3,186,228, C>T. VCF-style: chr1-3186228-C-T. GRCh37 (hg19) VCF-style: chr1-3102792-C-T.
Other names: c.141C>T, p.Pro47= (NM_199454.3).
Identifiers: ClinVar variation 696403 (VCV000696403.28), dbSNP rs746262080, ClinGen allele CA543712.
Genomic context (GRCh38, chr1:3,186,228, plus strand): 5'-CCTGCTGGCCAGCCACAGCGCGGAGGACGAGGCCGAGGACAGTGCCATGTCGCCCATCCC[C>T]GTGGGGCCACCGTCCCCCTTCCCCACCAGCGAGGACTTCACCCCCAAGGAGGGCTCGCCG-3'
Protein context (NP_071397.3, residues 37-57): EAEDSAMSPI[Pro47=]VGPPSPFPTS

ClinVar aggregate classification (germline): Likely benign. Review status: criteria provided, multiple submitters, no conflicts (2 of 4 stars). 4 submissions from 4 submitters: Likely benign (3). 1 of the submissions does not count toward it. Last evaluated 2025-11-03.

Conditions:
PRDM16-related disorder. Also called: PRDM16-related condition.
Left ventricular noncompaction 8 (LVNC8). Identifiers: Orphanet 154, Orphanet 54260, MedGen C3809288, MONDO:0014152, OMIM 615373.

Allele frequency attached by ClinVar (database versions not stated): ExAC 0.00002; gnomAD exomes 0.00003; gnomAD 0.00006; TOPMed 0.00006.
gnomAD v4.1: 71 of 1,612,470 alleles (0.0044%); highest among the groups gnomAD compares: Non-Finnish European, 0.0055%; no homozygotes.

Submissions (4):

Labcorp Genetics (formerly Invitae), Labcorp
Classification: Likely benign for Left ventricular noncompaction 8. Last evaluated: 2025-11-03. Review status: criteria provided, single submitter. Criteria: Invitae Variant Classification Sherloc (09022015). Collection method: clinical testing. Allele origin: germline.

CeGaT Center for Human Genetics Tuebingen
Classification: Likely benign. Last evaluated: 2024-07-01. Review status: criteria provided, single submitter. Criteria: CeGaT Center For Human Genetics Tuebingen Variant Classification Criteria Version 2. Collection method: clinical testing. Allele origin: germline. Affected: yes. Observed: 1 variant allele.
Comment: PRDM16: BP4, BP7

Blueprint Genetics
Classification: Likely benign. Last evaluated: 2024-06-19. Review status: criteria provided, single submitter. Criteria: ACMG Guidelines, 2015. Collection method: clinical testing. Allele origin: germline.

PreventionGenetics, part of Exact Sciences
Classification: Likely benign for PRDM16-related condition. Last evaluated: 2019-09-18. Review status: no assertion criteria provided. Collection method: clinical testing. Allele origin: germline. Not counted in ClinVar's aggregate classification.
Comment: This variant is classified as likely benign based on ACMG/AMP sequence variant interpretation guidelines (Richards et al. 2015 PMID: 25741868, with internal and published modifications).